The following is an entry in ClinVar:

ClinVar aggregate classification (germline): Uncertain significance. Review status: criteria provided, multiple submitters, no conflicts (2 of 4 stars). 2 submissions from 2 submitters: Uncertain significance (2). Last evaluated 2023-02-23.

Conditions:
Inborn genetic diseases. Identifiers: MedGen C0950123, MeSH D030342.

Allele frequency attached by ClinVar (database versions not stated): gnomAD 0.00001; gnomAD exomes 0.00001; TOPMed 0.00001.

Submissions (2):

Ambry Genetics
Classification: Uncertain significance for Inborn genetic diseases. Last evaluated: 2023-02-23. Review status: criteria provided, single submitter. Criteria: Ambry Variant Classification Scheme 2023. Collection method: clinical testing. Allele origin: germline.

Labcorp Genetics (formerly Invitae), Labcorp
Classification: Uncertain significance. Last evaluated: 2022-02-02. Review status: criteria provided, single submitter. Criteria: Invitae Variant Classification Sherloc (09022015). Collection method: clinical testing. Allele origin: germline.
Comment: This sequence change replaces glutamic acid, which is acidic and polar, with lysine, which is basic and polar, at codon 79 of the TONSL protein (p.Glu79Lys). This variant is not present in population databases (gnomAD no frequency). This variant has not been reported in the literature in individuals affected with TONSL-related conditions. Algorithms developed to predict the effect of missense changes on protein structure and function are either unavailable or do not agree on the potential impact of this missense change (SIFT: "Tolerated"; PolyPhen-2: "Probably Damaging"; Align-GVGD: "Class C0"). In summary, the available evidence is currently insufficient to determine the role of this variant in disease. Therefore, it has been classified as a Variant of Uncertain Significance.

NM_013432.5(TONSL):c.235G>A (p.Glu79Lys)

Gene: TONSL (tonsoku like, DNA repair protein; minus strand). Cytogenetic location: 8q24.3.
Variant type: single nucleotide variant.
Coding change: c.235G>A on transcript NM_013432.5 (MANE Select); coding-DNA position 235, G replaced by A.
Protein change: p.Glu79Lys; replaces glutamic acid 79 with lysine.
Molecular consequence: missense variant.
Genome position (GRCh38, 1-based): chr8:144,443,911, C>T on the plus strand (G>A on the coding strand, the complement: TONSL is on the minus strand). VCF-style: chr8-144443911-C-T. GRCh37 (hg19) VCF-style: chr8-145669294-C-T.
Other names: c.235G>A (NM_013432.4); short protein forms E79K.
Identifiers: ClinVar variation 1945445 (VCV001945445.4), dbSNP rs1172331406, ClinGen allele CA372679379.